The following is an entry in ClinVar:

NM_000540.3(RYR1):c.7368C>T (p.Ile2456=)

Gene: RYR1 (ryanodine receptor 1; plus strand). Cytogenetic location: 19q13.2.
Variant type: single nucleotide variant.
Coding change: c.7368C>T on transcript NM_000540.3 (MANE Select); coding-DNA position 7368, C replaced by T.
Protein change: p.Ile2456=; no amino-acid change (isoleucine 2456 retained).
Molecular consequence: synonymous variant.
Genome position (GRCh38, 1-based): chr19:38,500,650, C>T. VCF-style: chr19-38500650-C-T. GRCh37 (hg19) VCF-style: chr19-38991290-C-T.
Other names: c.7368C>T, p.Ile2456= (NM_001042723.2).
Identifiers: ClinVar variation 681708 (VCV000681708.12), dbSNP rs371851375, ClinGen allele CA069579.
Genomic context (GRCh38, chr19:38,500,650, plus strand): 5'-TCCCTCTACTCCCCAGCTAATCCAAGCCGGCAAGGGTGAGGCCCTGCGGATCCGCGCCAT[C>T]CTCCGCTCCCTTGTGCCCTTGGAGGACCTTGTGGGCATCATCAGCCTCCCACTGCAGATT-3'
Protein context (NP_000531.2, residues 2446-2466): GKGEALRIRA[Ile2456=]LRSLVPLEDL

ClinVar aggregate classification (germline): Likely benign. Review status: criteria provided, multiple submitters, no conflicts (2 of 4 stars). 4 submissions from 4 submitters: Likely benign (4). Last evaluated 2025-02-09.

Conditions:
RYR1-related disorder. Also called: RYR1-related disorders; RYR1-related condition. Identifiers: MedGen CN239331.
Malignant hyperthermia, susceptibility to, 1 (MHS1). Also called: RYR1-Related Malignant Hyperthermia Susceptibility; Anesthesia related hyperthermia; Malignant hyperpyrexia; Fulminating hyperpyrexia; Pharmacogenic myopathy; Malignant hyperthermia suceptibility 1. Identifiers: Orphanet 423, MedGen C2930980, MONDO:0007783, OMIM 145600.

Allele frequency attached by ClinVar (database versions not stated): gnomAD exomes 0.00001; TOPMed 0.00002; ESP Exome Variant Server 0.00008; ExAC 0.00001; gnomAD 0.00001.
gnomAD v4.1: 17 of 1,613,830 alleles (0.0011%); highest among the groups gnomAD compares: Non-Finnish European, 0.0014%; no homozygotes.

Submissions (4):

Labcorp Genetics (formerly Invitae), Labcorp
Classification: Likely benign for RYR1-related disorder. Last evaluated: 2025-02-09. Review status: criteria provided, single submitter. Criteria: Invitae Variant Classification Sherloc (09022015). Collection method: clinical testing. Allele origin: germline.

All of Us Research Program, National Institutes of Health
Classification: Likely benign for Malignant hyperthermia, susceptibility to, 1. Last evaluated: 2023-12-01. Review status: criteria provided, single submitter. Criteria: ACMG Guidelines, 2015. Collection method: clinical testing. Allele origin: germline. Inheritance: Autosomal dominant inheritance. Observed: 5 variant alleles, 5 heterozygotes.
Comment: This study involves interpretation of variants in research participants for the purpose of population health screening. Participant phenotype was not available at the time of variant classification. Additional details can be found in publication PMID: 35346344, PMCID: PMC8962531

Color Diagnostics, LLC DBA Color Health
Classification: Likely benign for Malignant hyperthermia, susceptibility to, 1. Last evaluated: 2022-11-06. Review status: criteria provided, single submitter. Criteria: ACMG Guidelines, 2015. Collection method: clinical testing. Allele origin: germline.

GeneDx
Classification: Likely benign. Last evaluated: 2021-02-24. Review status: criteria provided, single submitter. Criteria: GeneDx Variant Classification Process June 2021. Collection method: clinical testing. Allele origin: germline. Affected: yes.